The following is an entry in ClinVar:

ClinVar aggregate classification (germline): Uncertain significance (1 of 4 stars; one submission).

Conditions:
Kleefstra syndrome 2 (KLEFS2). Identifiers: MedGen C4540395, MONDO:0054701, OMIM 617768.

Allele frequency attached by ClinVar (database versions not stated): gnomAD exomes below 0.00001; TOPMed below 0.00001.
gnomAD v4.1: 1 of 1,610,664 alleles (0.000062%); highest among the groups gnomAD compares: Non-Finnish European, 0.000085%; no homozygotes.

Submission:

Victorian Clinical Genetics Services, Murdoch Childrens Research Institute
Classification: Uncertain significance for Kleefstra syndrome 2. Last evaluated: 2023-07-16. Review status: criteria provided, single submitter. Criteria: ACMG Guidelines, 2015. Collection method: clinical testing. Allele origin: germline. Inheritance: Autosomal dominant inheritance. Affected: yes.
Comment: Based on the classification scheme VCGS_Germline_v1.3.4, this variant is classified as VUS-3C. Following criteria are met: 0102 - Loss of function is a known mechanism of disease in this gene and is associated with Kleefstra syndrome 2 (MIM#617768). (I) 0107 - This gene is associated with autosomal dominant disease. (I) 0200 - Variant is predicted to result in a missense amino acid change from arginine to glutamine. (I) 0251 - This variant is heterozygous. (I) 0301 - Variant is absent from gnomAD (both v2 and v3). (SP) 0309 - An alternative amino acid change at the same position has been observed in gnomAD (v3: 1 heterozygote, 0 homozygotes). (I) 0501 - Missense variant consistently predicted to be damaging by multiple in silico tools or highly conserved with a major amino acid change. (SP) 0604 - Variant is not located in an established domain, motif, hotspot or informative constraint region. (I) 0705 - No comparable missense variants have previous evidence for pathogenicity. (I) 0807 - This variant has no previous evidence of pathogenicity. (I) 0904 - Non-segregation of this variant with the phenotype under investigation has been clearly demonstrated. (SB) 1007 - No published functional evidence has been identified for this variant. (I) Legend: (SP) - Supporting pathogenic, (I) - Information, (SB) - Supporting benign

NM_170606.3(KMT2C):c.3863G>A (p.Arg1288Gln)

Gene: KMT2C (lysine methyltransferase 2C; minus strand). Cytogenetic location: 7q36.1.
Variant type: single nucleotide variant.
Coding change: c.3863G>A on transcript NM_170606.3 (MANE Select); coding-DNA position 3863, G replaced by A.
Protein change: p.Arg1288Gln; replaces arginine 1288 with glutamine.
Molecular consequence: missense variant.
Genome position (GRCh38, 1-based): chr7:152,205,204, C>T on the plus strand (G>A on the coding strand, the complement: KMT2C is on the minus strand). VCF-style: chr7-152205204-C-T. GRCh37 (hg19) VCF-style: chr7-151902289-C-T.
Other names: short protein forms R1288Q.
Identifiers: ClinVar variation 1699347 (VCV001699347.3), dbSNP rs1345303559, ClinGen allele CA370108312.